The following is an entry in ClinVar:

ClinVar aggregate classification (germline): Uncertain significance (1 of 4 stars; one submission).

Conditions:
Cystic fibrosis (CF). Also called: MUCOVISCIDOSIS. Identifiers: Orphanet 586, MedGen C0010674, MONDO:0009061, OMIM 219700. Disease mechanism: loss of function.

Allele frequency attached by ClinVar (database versions not stated): ExAC 0.00001.
gnomAD v4.1: 1 of 1,527,038 alleles (0.000065%); highest among the groups gnomAD compares: Admixed American, 0.0022%; no homozygotes.

Submission:

Labcorp Genetics (formerly Invitae), Labcorp
Classification: Uncertain significance for Cystic fibrosis. Last evaluated: 2022-07-21. Review status: criteria provided, single submitter. Criteria: Invitae Variant Classification Sherloc (09022015). Collection method: clinical testing. Allele origin: germline.
Comment: This sequence change replaces lysine, which is basic and polar, with asparagine, which is neutral and polar, at codon 786 of the CFTR protein (p.Lys786Asn). This variant is present in population databases (rs765432538, gnomAD 0.005%). This variant has not been reported in the literature in individuals affected with CFTR-related conditions. Algorithms developed to predict the effect of missense changes on protein structure and function (SIFT, PolyPhen-2, Align-GVGD) all suggest that this variant is likely to be tolerated. In summary, the available evidence is currently insufficient to determine the role of this variant in disease. Therefore, it has been classified as a Variant of Uncertain Significance.

NM_000492.4(CFTR):c.2358G>C (p.Lys786Asn)

Gene: CFTR (CF transmembrane conductance regulator; plus strand). Cytogenetic location: 7q31.2.
Variant type: single nucleotide variant.
Coding change: c.2358G>C on transcript NM_000492.4 (MANE Select); coding-DNA position 2358, G replaced by C.
Protein change: p.Lys786Asn; replaces lysine 786 with asparagine.
Molecular consequence: missense variant.
Genome position (GRCh38, 1-based): chr7:117,592,525, G>C. VCF-style: chr7-117592525-G-C. GRCh37 (hg19) VCF-style: chr7-117232579-G-C.
Other names: short protein forms K786N.
Identifiers: ClinVar variation 2187010 (VCV002187010.1), dbSNP rs765432538, ClinGen allele CA4451177.